The following is an entry in ClinVar:

NM_004560.4(ROR2):c.1852A>G (p.Thr618Ala)

Gene: ROR2 (receptor tyrosine kinase like orphan receptor 2; minus strand). Cytogenetic location: 9q22.31.
Variant type: single nucleotide variant.
Coding change: c.1852A>G on transcript NM_004560.4 (MANE Select); coding-DNA position 1852, A replaced by G.
Protein change: p.Thr618Ala; replaces threonine 618 with alanine.
Molecular consequence: missense variant.
Genome position (GRCh38, 1-based): chr9:91,724,642, T>C on the plus strand (A>G on the coding strand, the complement: ROR2 is on the minus strand). VCF-style: chr9-91724642-T-C. GRCh37 (hg19) VCF-style: chr9-94486924-T-C.
Other names: short protein forms T618A.
Identifiers: ClinVar variation 2817987 (VCV002817987.3), dbSNP rs2490115805, ClinGen allele CA373797306.

ClinVar aggregate classification (germline): Uncertain significance (1 of 4 stars; one submission).

Allele frequency attached by ClinVar (database versions not stated): gnomAD exomes below 0.00001.
gnomAD v4.1: 1 of 1,614,140 alleles (0.000062%); highest among the groups gnomAD compares: Non-Finnish European, 0.000085%; no homozygotes.

Submission:

Labcorp Genetics (formerly Invitae), Labcorp
Classification: Uncertain significance. Last evaluated: 2022-12-02. Review status: criteria provided, single submitter. Criteria: Invitae Variant Classification Sherloc (09022015). Collection method: clinical testing. Allele origin: germline.
Comment: This variant has not been reported in the literature in individuals affected with ROR2-related conditions. In summary, the available evidence is currently insufficient to determine the role of this variant in disease. Therefore, it has been classified as a Variant of Uncertain Significance. Advanced modeling of protein sequence and biophysical properties (such as structural, functional, and spatial information, amino acid conservation, physicochemical variation, residue mobility, and thermodynamic stability) performed at Invitae indicates that this missense variant is not expected to disrupt ROR2 protein function. This variant is not present in population databases (gnomAD no frequency). This sequence change replaces threonine, which is neutral and polar, with alanine, which is neutral and non-polar, at codon 618 of the ROR2 protein (p.Thr618Ala).